The following is an entry in ClinVar:

ClinVar aggregate classification (germline): Uncertain significance (1 of 4 stars; one submission).

Allele frequency attached by ClinVar (database versions not stated): TOPMed below 0.00001; gnomAD 0.00001.
gnomAD v4.1: 1 of 1,612,916 alleles (0.000062%); highest among the groups gnomAD compares: Admixed American, 0.0017%; no homozygotes.

Submission:

Labcorp Genetics (formerly Invitae), Labcorp
Classification: Uncertain significance. Last evaluated: 2022-12-20. Review status: criteria provided, single submitter. Criteria: Invitae Variant Classification Sherloc (09022015). Collection method: clinical testing. Allele origin: germline.
Comment: Advanced modeling of protein sequence and biophysical properties (such as structural, functional, and spatial information, amino acid conservation, physicochemical variation, residue mobility, and thermodynamic stability) performed at Invitae indicates that this missense variant is not expected to disrupt MYO7A protein function. This variant has not been reported in the literature in individuals affected with MYO7A-related conditions. This variant is not present in population databases (gnomAD no frequency). This sequence change replaces alanine, which is neutral and non-polar, with threonine, which is neutral and polar, at codon 1089 of the MYO7A protein (p.Ala1089Thr). In summary, the available evidence is currently insufficient to determine the role of this variant in disease. Therefore, it has been classified as a Variant of Uncertain Significance.

NM_000260.4(MYO7A):c.3265G>A (p.Ala1089Thr)

Gene: MYO7A (myosin VIIA; plus strand). Cytogenetic location: 11q13.5.
Variant type: single nucleotide variant.
Coding change: c.3265G>A on transcript NM_000260.4 (MANE Select); coding-DNA position 3265, G replaced by A.
Protein change: p.Ala1089Thr; replaces alanine 1089 with threonine.
Molecular consequence: missense variant.
Genome position (GRCh38, 1-based): chr11:77,182,580, G>A. VCF-style: chr11-77182580-G-A. GRCh37 (hg19) VCF-style: chr11-76893625-G-A.
Other names: c.3265G>A, p.Ala1089Thr (NM_001127180.2); c.3232G>A, p.Ala1078Thr (NM_001369365.1); short protein forms A1078T, A1089T.
Identifiers: ClinVar variation 2112246 (VCV002112246.4), dbSNP rs1955332274, ClinGen allele CA381945086.